The following is an entry in ClinVar:

ClinVar aggregate classification (germline): Pathogenic (3 of 4 stars; one submission).

Conditions:
Lynch syndrome. Identifiers: Orphanet 144, MedGen C4552100, MONDO:0005835. Disease mechanism: loss of function.

Submission:

International Society for Gastrointestinal Hereditary Tumours (InSiGHT)
Classification: Pathogenic for Lynch Syndrome. Last evaluated: 2013-09-05. Review status: reviewed by expert panel. Criteria: Guidelines v1.9. Collection method: research. Allele origin: germline.
Comment: Variant causes splicing aberration due to insertion of SVA repetative element: complete inactivation of variant allele

Classified with v1.9 guidelines

NM_000535.5(PMS2):c.804-60_804-59insJN866832.1

Gene: PMS2 (PMS1 homolog 2, mismatch repair system component; minus strand). Cytogenetic location: 7p22.1.
Variant type: Insertion.
Coding change: c.804-60_804-59insJN866832.1 on transcript NM_000535.5; 60 bases into the intron before coding-DNA position 804 through 59 bases into the intron before coding-DNA position 804, an insertion.
Identifiers: ClinVar variation 91372 (VCV000091372.2).